The following is an entry in ClinVar:

NM_001035.3(RYR2):c.12988C>G (p.Leu4330Val)

Genes: RYR2 (ryanodine receptor 2; plus strand), LOC126806068 (BRD4-independent group 4 enhancer GRCh37_chr1:237947411-237948610; plus strand). Cytogenetic location: 1q43.
Variant type: single nucleotide variant.
Coding change: c.12988C>G on transcript NM_001035.3 (MANE Select); coding-DNA position 12988, C replaced by G.
Protein change: p.Leu4330Val; replaces leucine 4330 with valine.
Molecular consequence: missense variant.
Genome position (GRCh38, 1-based): chr1:237,784,700, C>G. VCF-style: chr1-237784700-C-G. GRCh37 (hg19) VCF-style: chr1-237948000-C-G.
Other names: short protein forms L4330V.
Identifiers: ClinVar variation 3070710 (VCV003070710.2), dbSNP rs537952311, ClinGen allele CA085281.

ClinVar aggregate classification (germline): Uncertain significance. Review status: criteria provided, multiple submitters, no conflicts (2 of 4 stars). 2 submissions from 2 submitters: Uncertain significance (2). Last evaluated 2026-01-16.

Conditions:
Catecholaminergic polymorphic ventricular tachycardia (CVPT). Also called: Catecholamine-induced polymorphic ventricular tachycardia. Identifiers: Orphanet 3286, MedGen C5574922, MONDO:0017990.
Catecholaminergic polymorphic ventricular tachycardia 1. Also called: VENTRICULAR TACHYCARDIA, CATECHOLAMINERGIC POLYMORPHIC, 1, WITH OR WITHOUT ATRIAL DYSFUNCTION AND/OR DILATED CARDIOMYOPATHY; RYR2-Related Catecholaminergic Polymorphic Ventricular Tachycardia; VENTRICULAR TACHYCARDIA, STRESS-INDUCED POLYMORPHIC 1. Identifiers: Orphanet 3286, MedGen C1631597, MONDO:0011484, OMIM 604772.

Allele frequency attached by ClinVar (database versions not stated): gnomAD exomes below 0.00001; ExAC 0.00001; gnomAD 0.00001; 1000 Genomes Project 30x 0.00016; 1000 Genomes Project 0.00020.
gnomAD v4.1: 2 of 1,609,198 alleles (0.00012%); highest among the groups gnomAD compares: South Asian, 0.0022%; no homozygotes.

Submissions (2):

Labcorp Genetics (formerly Invitae), Labcorp
Classification: Uncertain significance for Catecholaminergic polymorphic ventricular tachycardia 1. Last evaluated: 2026-01-16. Review status: criteria provided, single submitter. Criteria: Invitae Variant Classification Sherloc (09022015). Collection method: clinical testing. Allele origin: germline.
Comment: This sequence change replaces leucine, which is neutral and non-polar, with valine, which is neutral and non-polar, at codon 4330 of the RYR2 protein (p.Leu4330Val). This variant is present in population databases (rs537952311, gnomAD 0.007%). This variant has not been reported in the literature in individuals affected with RYR2-related conditions. ClinVar contains an entry for this variant (Variation ID: 3070710). Invitae Evidence Modeling of protein sequence and biophysical properties (such as structural, functional, and spatial information, amino acid conservation, physicochemical variation, residue mobility, and thermodynamic stability) has been performed for this missense variant. However, the output from this modeling did not meet the statistical confidence thresholds required to predict the impact of this variant on RYR2 protein function. In summary, the available evidence is currently insufficient to determine the role of this variant in disease. Therefore, it has been classified as a Variant of Uncertain Significance.

All of Us Research Program, National Institutes of Health
Classification: Uncertain significance for Catecholaminergic polymorphic ventricular tachycardia. Last evaluated: 2023-05-16. Review status: criteria provided, single submitter. Criteria: ACMG Guidelines, 2015. Collection method: clinical testing. Allele origin: germline. Inheritance: Autosomal dominant inheritance. Observed: 2 variant alleles, 2 heterozygotes.
Comment: This missense variant replaces leucine with valine at codon 4330 of the RYR2 protein. Computational prediction suggests that this variant may not impact protein structure and function (internally defined REVEL score threshold <= 0.5, PMID: 27666373). To our knowledge, functional studies have not been reported for this variant. This variant has not been reported in individuals affected with RYR2-related disorders in the literature. This variant has been identified in 1/246662 chromosomes in the general population by the Genome Aggregation Database (gnomAD). The available evidence is insufficient to determine the role of this variant in disease conclusively. Therefore, this variant is classified as a Variant of Uncertain Significance.

This study involves interpretation of variants in research participants for the purpose of population health screening. Participant phenotype was not available at the time of variant classification. Additional details can be found in publication PMID: 35346344, PMCID: PMC8962531